The following is an entry in ClinVar:

ClinVar aggregate classification (germline): Uncertain significance (1 of 4 stars; one submission).

Conditions:
Developmental and epileptic encephalopathy, 27 (DEE27). Also called: Epileptic encephalopathy, early infantile, 27; GRIN2B-Related Neurodevelopmental Disorder. Identifiers: Orphanet 3451, MedGen C4015316, MONDO:0014505, OMIM 616139.
Intellectual developmental disorder, autosomal dominant 6, with or without seizures. Also called: Intellectual disability, autosomal dominant 6; GRIN2B-related developmental delay, intellectual disability and autism spectrum disorder. Identifiers: Orphanet 589547, MedGen C3151411, MONDO:0013509, OMIM 613970.

gnomAD v4.1: 4 of 1,613,718 alleles (0.00025%); highest among the groups gnomAD compares: African/African-American, 0.0053%; no homozygotes.

Submission:

Labcorp Genetics (formerly Invitae), Labcorp
Classification: Uncertain significance for Developmental and epileptic encephalopathy, 27; Intellectual developmental disorder, autosomal dominant 6, with or without seizures. Last evaluated: 2024-05-06. Review status: criteria provided, single submitter. Criteria: Invitae Variant Classification Sherloc (09022015). Collection method: clinical testing. Allele origin: germline.
Comment: This sequence change affects codon 602 of the GRIN2B mRNA. It is a 'silent' change, meaning that it does not change the encoded amino acid sequence of the GRIN2B protein. This variant is present in population databases (no rsID available, gnomAD 0.01%). This variant has not been reported in the literature in individuals affected with GRIN2B-related conditions. Algorithms developed to predict the effect of sequence changes on RNA splicing suggest that this variant may disrupt the consensus splice site. In summary, the available evidence is currently insufficient to determine the role of this variant in disease. Therefore, it has been classified as a Variant of Uncertain Significance.

NM_000834.5(GRIN2B):c.1806C>A (p.Ile602=)

Gene: GRIN2B (glutamate ionotropic receptor NMDA type subunit 2B; minus strand). Cytogenetic location: 12p13.1.
Variant type: single nucleotide variant.
Coding change: c.1806C>A on transcript NM_000834.5 (MANE Select); coding-DNA position 1806, C replaced by A.
Protein change: p.Ile602=; no amino-acid change (isoleucine 602 retained).
Molecular consequence: synonymous variant.
Genome position (GRCh38, 1-based): chr12:13,608,807, G>T on the plus strand (C>A on the coding strand, the complement: GRIN2B is on the minus strand). VCF-style: chr12-13608807-G-T. GRCh37 (hg19) VCF-style: chr12-13761741-G-T.
Other names: c.1806C>A, p.Ile602= (NM_001413992.1).
Identifiers: ClinVar variation 3753095 (VCV003753095.2).
Genomic context (GRCh38, chr12:13,608,807, plus strand): 5'-GTTCTGCACAGGTACGGAGTTGTTAAACACCAGACCCCAGAGCAACCAAATAGCTTTGCC[G>T]ATGGTGAAAGAGGGTCCACCAGGCTCTGGCATGACAAAAAGACAAGGACGAAAGTTAAGC-3'
Protein context (NP_000825.2, residues 592-612): GREPGGPSFT[Ile602=]GKAIWLLWGL